The following is an entry in ClinVar:

ClinVar aggregate classification (germline): Likely benign. Review status: criteria provided, multiple submitters, no conflicts (2 of 4 stars). 2 submissions from 2 submitters: Likely benign (2). Last evaluated 2024-11-26.

Allele frequency attached by ClinVar (database versions not stated): TOPMed 0.00233; gnomAD exomes 0.00245 and 0.00284; gnomAD 0.00255 and 0.00282; ExAC 0.00316; ESP Exome Variant Server 0.00329; 1000 Genomes Project 30x 0.00047; 1000 Genomes Project 0.00060.
gnomAD v4.1: 4,297 of 1,548,950 alleles (0.28%); highest among the groups gnomAD compares: Non-Finnish European, 0.33%; 15 homozygotes.

Submissions (2):

Blueprint Genetics
Classification: Likely benign. Last evaluated: 2024-11-26. Review status: criteria provided, single submitter. Criteria: ACMG Guidelines, 2015. Collection method: clinical testing. Allele origin: germline.

CeGaT Center for Human Genetics Tuebingen
Classification: Likely benign. Last evaluated: 2023-03-01. Review status: criteria provided, single submitter. Criteria: CeGaT Center For Human Genetics Tuebingen Variant Classification Criteria Version 2. Collection method: clinical testing. Allele origin: germline. Affected: yes. Observed: 2 variant alleles.
Comment: PRDM6: BP4, BP7, BS2

NM_001136239.4(PRDM6):c.1509C>T (p.Cys503=)

Gene: PRDM6 (PR/SET domain 6; plus strand). Cytogenetic location: 5q23.2.
Variant type: single nucleotide variant.
Coding change: c.1509C>T on transcript NM_001136239.4 (MANE Select); coding-DNA position 1509, C replaced by T.
Protein change: p.Cys503=; no amino-acid change (cysteine 503 retained).
Molecular consequence: synonymous variant.
Genome position (GRCh38, 1-based): chr5:123,180,159, C>T. VCF-style: chr5-123180159-C-T. GRCh37 (hg19) VCF-style: chr5-122515853-C-T.
Identifiers: ClinVar variation 1176810 (VCV001176810.36), dbSNP rs200261402, ClinGen allele CA3386449.